The following is an entry in ClinVar:

NM_000363.5(TNNI3):c.47C>G (p.Pro16Arg)

Gene: TNNI3 (troponin I3, cardiac type; minus strand). Cytogenetic location: 19q13.42.
Variant type: single nucleotide variant.
Coding change: c.47C>G on transcript NM_000363.5 (MANE Select); coding-DNA position 47, C replaced by G.
Protein change: p.Pro16Arg; replaces proline 16 with arginine.
Molecular consequence: missense variant.
Genome position (GRCh38, 1-based): chr19:55,157,111, G>C on the plus strand (C>G on the coding strand, the complement: TNNI3 is on the minus strand). VCF-style: chr19-55157111-G-C. GRCh37 (hg19) VCF-style: chr19-55668479-G-C.
Other names: short protein forms P16R.
Identifiers: ClinVar variation 3386107 (VCV003386107.1).

ClinVar aggregate classification (germline): Uncertain significance (1 of 4 stars; one submission).

Conditions:
Hypertrophic cardiomyopathy. Also called: HYPERTROPHIC MYOCARDIOPATHY. Identifiers: Orphanet 217569, MedGen C0007194, MeSH D002312, MONDO:0005045, HP:0001639.

Submission:

All of Us Research Program, National Institutes of Health
Classification: Uncertain significance for Hypertrophic cardiomyopathy. Last evaluated: 2024-06-17. Review status: criteria provided, single submitter. Criteria: ACMG Guidelines, 2015. Collection method: clinical testing. Allele origin: germline. Inheritance: Autosomal dominant inheritance. Observed: 1 variant allele, 1 heterozygote.
Comment: This missense variant replaces proline with arginine at codon 16 of the TNNI3 protein. Computational prediction suggests that this variant may not impact protein structure and function (internally defined REVEL score threshold <= 0.5, PMID: 27666373). To our knowledge, functional studies have not been reported for this variant. This variant has not been reported in individuals affected with TNNI3-related disorders in the literature. This variant has not been identified in the general population by the Genome Aggregation Database (gnomAD). The available evidence is insufficient to determine the role of this variant in disease conclusively. Therefore, this variant is classified as a Variant of Uncertain Significance.

This study involves interpretation of variants in research participants for the purpose of population health screening. Participant phenotype was not available at the time of variant classification. Additional details can be found in publication PMID: 35346344, PMCID: PMC8962531